The following is an entry in ClinVar:

NM_032237.5(POMK):c.157A>G (p.Thr53Ala)

Gene: POMK (protein O-mannose kinase; plus strand). Cytogenetic location: 8p11.21.
Variant type: single nucleotide variant.
Coding change: c.157A>G on transcript NM_032237.5 (MANE Select); coding-DNA position 157, A replaced by G.
Protein change: p.Thr53Ala; replaces threonine 53 with alanine.
Molecular consequence: missense variant.
Genome position (GRCh38, 1-based): chr8:43,103,705, A>G. VCF-style: chr8-43103705-A-G. GRCh37 (hg19) VCF-style: chr8-42958848-A-G.
Other names: c.157A>G, p.Thr53Ala (NM_001277971.2); short protein forms T53A.
Identifiers: ClinVar variation 3752657 (VCV003752657.2).

ClinVar aggregate classification (germline): Uncertain significance (1 of 4 stars; one submission).

Conditions:
Limb-girdle muscular dystrophy due to POMK deficiency. Also called: MUSCULAR DYSTROPHY-DYSTROGLYCANOPATHY, LIMB-GIRDLE, POMK-RELATED; Muscular dystrophy-dystroglycanopathy (limb-girdle), type c, 12. Identifiers: Orphanet 445110, MedGen C4015184, MONDO:0014489, OMIM 616094.
Muscular dystrophy-dystroglycanopathy (congenital with brain and eye anomalies), type a, 12 (MDDGA12). Also called: WALKER-WARBURG SYNDROME OR MUSCLE-EYE-BRAIN DISEASE, POMK-RELATED. Identifiers: Orphanet 899, MedGen C3808964, MONDO:0014101, OMIM 615249.

gnomAD v4.1: 1 of 1,613,998 alleles (0.000062%); highest among the groups gnomAD compares: South Asian, 0.0011%; no homozygotes.

Submission:

Labcorp Genetics (formerly Invitae), Labcorp
Classification: Uncertain significance for Muscular dystrophy-dystroglycanopathy (congenital with brain and eye anomalies), type a, 12; Limb-girdle muscular dystrophy due to POMK deficiency. Last evaluated: 2024-03-22. Review status: criteria provided, single submitter. Criteria: Invitae Variant Classification Sherloc (09022015). Collection method: clinical testing. Allele origin: germline.
Comment: This sequence change replaces threonine, which is neutral and polar, with alanine, which is neutral and non-polar, at codon 53 of the POMK protein (p.Thr53Ala). This variant is not present in population databases (gnomAD no frequency). This variant has not been reported in the literature in individuals affected with POMK-related conditions. Advanced modeling of protein sequence and biophysical properties (such as structural, functional, and spatial information, amino acid conservation, physicochemical variation, residue mobility, and thermodynamic stability) performed at Invitae indicates that this missense variant is not expected to disrupt POMK protein function with a negative predictive value of 80%. In summary, the available evidence is currently insufficient to determine the role of this variant in disease. Therefore, it has been classified as a Variant of Uncertain Significance.